The following is an entry in ClinVar:

NM_004656.4(BAP1):c.1649T>G (p.Val550Gly)

Gene: BAP1 (BRCA1 associated deubiquitinase 1; minus strand). Cytogenetic location: 3p21.1.
Variant type: single nucleotide variant.
Coding change: c.1649T>G on transcript NM_004656.4 (MANE Select); coding-DNA position 1649, T replaced by G.
Protein change: p.Val550Gly; replaces valine 550 with glycine.
Molecular consequence: missense variant.
Genome position (GRCh38, 1-based): chr3:52,403,496, A>C on the plus strand (T>G on the coding strand, the complement: BAP1 is on the minus strand). VCF-style: chr3-52403496-A-C. GRCh37 (hg19) VCF-style: chr3-52437512-A-C.
Other names: short protein forms V550G.
Identifiers: ClinVar variation 921858 (VCV000921858.4), dbSNP rs1705039738, ClinGen allele CA353100091.
Genomic context (GRCh38, chr3:52,403,496, plus strand): 5'-AGCACCCCATCCTCAGCCAGGTGCAGCAGGCCTGTGCTGATGACAGGACCCAGATCACGG[A>C]CAGCACGGTTGTAGCGTATGCAGTCAACACGCAGCAGGCTGTCATCCTCTCCAAAAAGCA-3'
Protein context (NP_004647.1, residues 540-560): RVDCIRYNRA[Val550Gly]RDLGPVISTG

ClinVar aggregate classification (germline): Uncertain significance (1 of 4 stars; one submission).

Conditions:
Hereditary cancer-predisposing syndrome. Also called: Neoplastic Syndromes, Hereditary; Tumor predisposition; Hereditary Cancer Syndrome; Hereditary neoplastic syndrome. Identifiers: Orphanet 140162, MedGen C0027672, MeSH D009386, MONDO:0015356.

Submission:

Color Diagnostics, LLC DBA Color Health
Classification: Uncertain significance for Hereditary cancer-predisposing syndrome. Last evaluated: 2024-03-06. Review status: criteria provided, single submitter. Criteria: ACMG Guidelines, 2015. Collection method: clinical testing. Allele origin: germline.
Comment: This missense variant replaces valine with glycine at codon 550 of the BAP1 protein. Computational prediction suggests that this variant may not impact protein structure and function (internally defined REVEL score threshold <= 0.5, PMID: 27666373). Splice site prediction tools suggest that this variant may not impact RNA splicing. To our knowledge, functional studies have not been performed for this variant. This variant has not been reported in individuals affected with hereditary cancer in the literature. This variant has not been identified in the general population by the Genome Aggregation Database (gnomAD). The available evidence is insufficient to determine the role of this variant in disease conclusively. Therefore, this variant is classified as a Variant of Uncertain Significance.